The following is an entry in ClinVar:

ClinVar aggregate classification (germline): Likely benign. Review status: criteria provided, single submitter (1 of 4 stars). 2 submissions from 2 submitters: Likely benign (1). 1 of the submissions does not count toward it. Last evaluated 2025-12-03.

Conditions:
PPARG-related disorder. Also called: PPARG-related condition; PPARG-related disorders.

Allele frequency attached by ClinVar (database versions not stated): gnomAD exomes 0.00001 and 0.00004; gnomAD 0.00003; ExAC 0.00004; TOPMed 0.00012; ESP Exome Variant Server 0.00015; 1000 Genomes Project 0.00020; 1000 Genomes Project 30x 0.00031.
gnomAD v4.1: 17 of 1,614,032 alleles (0.0011%); highest among the groups gnomAD compares: African/African-American, 0.0093%; 1 homozygote.

Submissions (2):

Labcorp Genetics (formerly Invitae), Labcorp
Classification: Likely benign. Last evaluated: 2025-12-03. Review status: criteria provided, single submitter. Criteria: Invitae Variant Classification Sherloc (09022015). Collection method: clinical testing. Allele origin: germline.

PreventionGenetics, part of Exact Sciences
Classification: Likely benign for PPARG-related condition. Last evaluated: 2021-08-10. Review status: no assertion criteria provided. Collection method: clinical testing. Allele origin: germline. Not counted in ClinVar's aggregate classification.
Comment: This variant is classified as likely benign based on ACMG/AMP sequence variant interpretation guidelines (Richards et al. 2015 PMID: 25741868, with internal and published modifications).

NM_138711.6(PPARG):c.558C>T (p.Ala186=)

Genes: PPARG (peroxisome proliferator activated receptor gamma; plus strand), LOC114803475 (PPARG eExon liver enhancer; plus strand). Cytogenetic location: 3p25.2.
Variant type: single nucleotide variant.
Coding change: c.558C>T on transcript NM_138711.6 (MANE Select); coding-DNA position 558, C replaced by T.
Protein change: p.Ala186=; no amino-acid change (alanine 186 retained).
Molecular consequence: synonymous variant. On other transcripts: intron variant (1).
Genome position (GRCh38, 1-based): chr3:12,405,910, C>T. VCF-style: chr3-12405910-C-T. GRCh37 (hg19) VCF-style: chr3-12447409-C-T.
Other names: c.558C>T, p.Ala186= (NM_001330615.4, NM_001354666.3, NM_001354667.3 and 6 more transcripts); c.648C>T, p.Ala216= (NM_001354668.2, NM_001374265.1, NM_015869.5); c.564C>T, p.Ala188= (NM_001354670.2, NM_001374266.1); c.103-10794C>T (NM_001354669.2).
Identifiers: ClinVar variation 798271 (VCV000798271.7), dbSNP rs369534657, ClinGen allele CA2258225.
Genomic context (GRCh38, chr3:12,405,910, plus strand): 5'-TGATTCATCCTGTCATTCCTCTTCCTCTATAGCCATCAGGTTTGGGCGGATGCCACAGGC[C>T]GAGAAGGAGAAGCTGTTGGCGGAGATCTCCAGTGATATCGACCAGCTGAATCCAGAGTCC-3'
Protein context (NP_619725.3, residues 176-196): NAIRFGRMPQ[Ala186=]EKEKLLAEIS